The following is an entry in ClinVar:

NC_000004.11:g.(?_123977532)_(123978453_?)del

Gene: AFG2A (AFG2 AAA ATPase homolog A; plus strand). Cytogenetic location: 4q28.1.
Variant type: Deletion.
Identifiers: ClinVar variation 1075383 (VCV001075383.1).

ClinVar aggregate classification (germline): Pathogenic (1 of 4 stars; one submission).

Conditions:
Microcephaly-intellectual disability-sensorineural hearing loss-epilepsy-abnormal muscle tone syndrome (NEDHSB). Also called: NEURODEVELOPMENTAL DISORDER WITH HEARING LOSS, SEIZURES, AND BRAIN ABNORMALITIES. Identifiers: Orphanet 457351, MedGen C4225276, MONDO:0014698, OMIM 616577.

Submission:

Labcorp Genetics (formerly Invitae), Labcorp
Classification: Pathogenic for Microcephaly-intellectual disability-sensorineural hearing loss-epilepsy-abnormal muscle tone syndrome. Last evaluated: 2020-10-29. Review status: criteria provided, single submitter. Criteria: Invitae Variant Classification Sherloc (09022015). Collection method: clinical testing. Allele origin: germline.
Comment: This variant is an out-of-frame deletion of the genomic region encompassing exons 12-13 of the SPATA5 gene. This is expected to create a premature translational stop signal and result in an absent or disrupted protein product. This deletion has not been reported in the literature in individuals with SPATA5-related disease. Loss-of-function variants in SPATA5 are known to be pathogenic (PMID: 26299366). For these reasons, this variant has been classified as Pathogenic.

Literature cited by the submitters: PubMed 26299366.